The following is an entry in ClinVar:

ClinVar aggregate classification (germline): Conflicting classifications of pathogenicity. Review status: criteria provided, conflicting classifications (1 of 4 stars). 15 submissions from 11 submitters: Uncertain significance (4); Benign (3); Likely benign (8). Last evaluated 2026-04-13.

Conditions:
TTN-related disorder. Also called: TTN-related condition; TTN-related disease; TTN-related disorders.
Cardiovascular phenotype. Identifiers: MedGen CN230736.
Autosomal recessive limb-girdle muscular dystrophy type 2J (LGMDR10). Also called: Limb-girdle muscular dystrophy, type 2J; MUSCULAR DYSTROPHY, LIMB-GIRDLE, AUTOSOMAL RECESSIVE 10. Identifiers: Orphanet 140922, MedGen C1837342, MONDO:0012127, OMIM 608807.
Dilated cardiomyopathy 1G (CMD1G). Identifiers: Orphanet 154, MedGen C1858763, MONDO:0011400, OMIM 604145.
Early-onset myopathy with fatal cardiomyopathy (CMYO5). Also called: Salih Myopathy; CONGENITAL MYOPATHY 5 WITH CARDIOMYOPATHY. Identifiers: Orphanet 289377, MedGen C2673677, MONDO:0012714, OMIM 611705. Disease mechanism: loss of function.
Myopathy, myofibrillar, 9, with early respiratory failure (MFM9). Also called: EDSTROM MYOPATHY; MYOPATHY, PROXIMAL, WITH EARLY RESPIRATORY MUSCLE INVOLVEMENT; Myopathy, distal, with early respiratory failure, autosomal dominant; Hereditary myopathy with early respiratory failure. Identifiers: Orphanet 178464, Orphanet 34521, MedGen C1863599, MONDO:0011362, OMIM 603689.
Tibial muscular dystrophy (TMD). Also called: Tibial muscular dystrophy, tardive; UDD MYOPATHY; Udd Distal Myopathy – Tibial Muscular Dystrophy. Identifiers: Orphanet 609, MedGen C1838244, MONDO:0010870, OMIM 600334.

Allele frequency attached by ClinVar (database versions not stated): TOPMed 0.00010; gnomAD 0.00012; ESP Exome Variant Server 0.00017.
gnomAD v4.1: 107 of 1,612,142 alleles (0.0066%); highest among the groups gnomAD compares: Admixed American, 0.0033%; no homozygotes.

Submissions (15):

PreventionGenetics, part of Exact Sciences
Classification: Likely benign for TTN-related condition. Last evaluated: 2026-04-13. Review status: criteria provided, single submitter. Criteria: ACMG Guidelines, 2015. Collection method: clinical testing. Allele origin: germline.
Comment: This variant is classified as likely benign based on ACMG/AMP sequence variant interpretation guidelines (Richards et al. 2015 PMID: 25741868, with internal and published modifications).

Labcorp Genetics (formerly Invitae), Labcorp
Classification: Likely benign for Dilated cardiomyopathy 1G; Autosomal recessive limb-girdle muscular dystrophy type 2J. Last evaluated: 2026-01-19. Review status: criteria provided, single submitter. Criteria: Invitae Variant Classification Sherloc (09022015). Collection method: clinical testing. Allele origin: germline.

Mayo Clinic Laboratories, Mayo Clinic
Classification: Likely benign. Last evaluated: 2025-12-18. Review status: criteria provided, single submitter. Criteria: ACMG Guidelines, 2015. Collection method: clinical testing. Allele origin: germline. Observed: 1 variant allele.
Comment: BS1, BP4, BP7

CeGaT Center for Human Genetics Tuebingen
Classification: Likely benign. Last evaluated: 2025-12-01. Review status: criteria provided, single submitter. Criteria: CeGaT Center For Human Genetics Tuebingen Variant Classification Criteria Version 2. Collection method: clinical testing. Allele origin: germline. Affected: yes. Observed: 1 variant allele.
Comment: TTN: BP4

Blueprint Genetics
Classification: Likely benign. Last evaluated: 2024-08-27. Review status: criteria provided, single submitter. Criteria: ACMG Guidelines, 2015. Collection method: clinical testing. Allele origin: germline.

Women's Health and Genetics/Laboratory Corporation of America, LabCorp
Classification: Likely benign. Last evaluated: 2022-08-22. Review status: criteria provided, single submitter. Criteria: LabCorp Variant Classification Summary - May 2015. Collection method: clinical testing. Allele origin: germline.

Ambry Genetics
Classification: Likely benign for Cardiovascular phenotype. Last evaluated: 2020-09-18. Review status: criteria provided, single submitter. Criteria: Ambry Variant Classification Scheme 2023. Collection method: clinical testing. Allele origin: germline.

Illumina Laboratory Services, Illumina
Classification: Benign for Tibial muscular dystrophy. Last evaluated: 2018-01-13. Review status: criteria provided, single submitter. Criteria: ICSL Variant Classification Criteria 13 December 2019. Collection method: clinical testing. Allele origin: germline.
Comment: This variant was observed in the ICSL laboratory as part of a predisposition screen in an ostensibly healthy population. It had not been previously curated by ICSL or reported in the Human Gene Mutation Database (HGMD: prior to June 1st, 2018), and was therefore a candidate for classification through an automated scoring system. Utilizing variant allele frequency, disease prevalence and penetrance estimates, and inheritance mode, an automated score was calculated to assess if this variant is too frequent to cause the disease. Based on the score and internal cut-off values, a variant classified as benign is not then subjected to further curation. The score for this variant resulted in a classification of benign for this disease.

Illumina Laboratory Services, Illumina
Classification: Uncertain significance for Dilated cardiomyopathy 1G. Last evaluated: 2018-01-13. Review status: criteria provided, single submitter. Criteria: ICSL Variant Classification Criteria 13 December 2019. Collection method: clinical testing. Allele origin: germline.

Illumina Laboratory Services, Illumina
Classification: Uncertain significance for Autosomal recessive limb-girdle muscular dystrophy type 2J. Last evaluated: 2018-01-13. Review status: criteria provided, single submitter. Criteria: ICSL Variant Classification Criteria 13 December 2019. Collection method: clinical testing. Allele origin: germline.

Illumina Laboratory Services, Illumina
Classification: Benign for Myopathy, myofibrillar, 9, with early respiratory failure. Last evaluated: 2018-01-13. Review status: criteria provided, single submitter. Criteria: ICSL Variant Classification Criteria 13 December 2019. Collection method: clinical testing. Allele origin: germline.
Comment: the same text as in the submission from Illumina Laboratory Services, Illumina above.

Illumina Laboratory Services, Illumina
Classification: Uncertain significance for Early-onset myopathy with fatal cardiomyopathy. Last evaluated: 2018-01-13. Review status: criteria provided, single submitter. Criteria: ICSL Variant Classification Criteria 13 December 2019. Collection method: clinical testing. Allele origin: germline.

GeneDx
Classification: Benign. Last evaluated: 2015-11-09. Review status: criteria provided, single submitter. Criteria: GeneDx Variant Classification (06012015). Collection method: clinical testing. Allele origin: germline. Affected: yes.
Comment: This variant is considered likely benign or benign based on one or more of the following criteria: it is a conservative change, it occurs at a poorly conserved position in the protein, it is predicted to be benign by multiple in silico algorithms, and/or has population frequency not consistent with disease.

Laboratory for Molecular Medicine, Mass General Brigham Personalized Medicine
Classification: Likely benign. Last evaluated: 2015-04-14. Review status: criteria provided, single submitter. Criteria: LMM Criteria. Collection method: clinical testing. Allele origin: germline. Observed: 1 variant allele.
Comment: p.Ala15539Ala in exon 230 of TTN: This variant is not expected to have clinical significance because it does not alter an amino acid residue and is not located within the splice consensus sequence. It has been identified in 13/66474 Europea n chromosomes by the Exome Aggregation Consortium (ExAC; dbSNP rs368021072).

Eurofins Ntd Llc (ga)
Classification: Uncertain significance. Last evaluated: 2015-02-18. Review status: criteria provided, single submitter. Criteria: EGL Classification Definitions 2015. Collection method: clinical testing. Allele origin: germline. Observed: 1 variant allele, 1 heterozygote.

NM_001267550.2(TTN):c.54321A>G (p.Ala18107=)

Genes: TTN (titin; minus strand), TTN-AS1 (TTN antisense RNA 1; plus strand). Cytogenetic location: 2q31.2.
Variant type: single nucleotide variant.
Coding change: c.54321A>G on transcript NM_001267550.2 (MANE Select); coding-DNA position 54321, A replaced by G.
Protein change: p.Ala18107=; no amino-acid change (alanine 18107 retained).
Molecular consequence: synonymous variant. On other transcripts: non-coding transcript variant (1).
Genome position (GRCh38, 1-based): chr2:178,604,768, T>C on the plus strand (A>G on the coding strand, the complement: TTN is on the minus strand). VCF-style: chr2-178604768-T-C. GRCh37 (hg19) VCF-style: chr2-179469495-T-C.
Other names: p.Ala15539=; c.49398A>G, p.Ala16466= (NM_001256850.1); c.46617A>G, p.Ala15539= (NM_133378.4); c.27126A>G, p.Ala9042= (NM_003319.4); c.27501A>G, p.Ala9167= (NM_133432.3); c.27702A>G, p.Ala9234= (NM_133437.4).
Identifiers: ClinVar variation 195791 (VCV000195791.34), dbSNP rs368021072, ClinGen allele CA242381.